The following is an entry in ClinVar:

ClinVar aggregate classification (germline): Benign. Review status: criteria provided, multiple submitters, no conflicts (2 of 4 stars). 3 submissions from 3 submitters: Benign (3). Last evaluated 2023-11-12.

Allele frequency attached by ClinVar (database versions not stated): ESP Exome Variant Server 0.14411; 1000 Genomes Project 0.08267; 1000 Genomes Project 30x 0.08401; TOPMed 0.12003.
gnomAD v4.1: 237,903 of 1,543,790 alleles (15%); highest among the groups gnomAD compares: Non-Finnish European, 18%; 20,240 homozygotes.

Submissions (3):

Unidad de Genómica Garrahan, Hospital de Pediatría Garrahan
Classification: Benign. Last evaluated: 2023-11-12. Review status: criteria provided, single submitter. Criteria: ACMG Guidelines, 2015. Collection method: clinical testing. Allele origin: germline. Affected: no. Observed: 21 variant alleles.
Comment: This variant is classified as Benign based on local population frequency. This variant was detected in 22% of patients studied by a panel of primary immunodeficiencies. Number of patients: 21. Only high quality variants are reported.

GeneDx
Classification: Benign. Last evaluated: 2021-05-14. Review status: criteria provided, single submitter. Criteria: GeneDx Variant Classification Process June 2021. Collection method: clinical testing. Allele origin: germline. Affected: yes.

Breakthrough Genomics
Classification: Benign. Review status: criteria provided, single submitter. Criteria: ACMG Guidelines, 2015. Collection method: not provided. Allele origin: germline. Inheritance: Autosomal dominant inheritance. Affected: yes.

NM_002661.5(PLCG2):c.692+61A>C

Gene: PLCG2 (phospholipase C gamma 2; plus strand). Cytogenetic location: 16q23.3.
Variant type: single nucleotide variant.
Coding change: c.692+61A>C on transcript NM_002661.5 (MANE Select); 61 bases into the intron after coding-DNA position 692, A replaced by C.
Molecular consequence: intron variant.
Genome position (GRCh38, 1-based): chr16:81,881,014, A>C. VCF-style: chr16-81881014-A-C. GRCh37 (hg19) VCF-style: chr16-81914619-A-C.
Identifiers: ClinVar variation 1247727 (VCV001247727.5), dbSNP rs41305761, ClinGen allele CA285202157.